The following is an entry in ClinVar:

ClinVar aggregate classification (germline): Uncertain significance. Review status: criteria provided, multiple submitters, no conflicts (2 of 4 stars). 2 submissions from 2 submitters: Uncertain significance (2). Last evaluated 2025-01-13.

Conditions:
Inborn genetic diseases. Identifiers: MedGen C0950123, MeSH D030342.

Allele frequency attached by ClinVar (database versions not stated): gnomAD exomes 0.00001.

Submissions (2):

Ambry Genetics
Classification: Uncertain significance for Inborn genetic diseases. Last evaluated: 2025-01-13. Review status: criteria provided, single submitter. Criteria: Ambry Variant Classification Scheme 2023. Collection method: clinical testing. Allele origin: germline.
Comment: The p.V239I variant (also known as c.715G>A), located in coding exon 8 of the DDX41 gene, results from a G to A substitution at nucleotide position 715. The valine at codon 239 is replaced by isoleucine, an amino acid with highly similar properties. This amino acid position is conserved. In addition, this alteration is predicted to be tolerated by in silico analysis. Based on the available evidence, the clinical significance of this variant remains unclear.

GeneDx
Classification: Uncertain significance. Last evaluated: 2023-11-06. Review status: criteria provided, single submitter. Criteria: GeneDx Variant Classification Process June 2021. Collection method: clinical testing. Allele origin: germline. Affected: yes.
Comment: Not observed at significant frequency in large population cohorts (gnomAD); In silico analysis supports that this missense variant does not alter protein structure/function; Has not been previously published as pathogenic or benign to our knowledge; This variant is associated with the following publications: (PMID: 27721487)

NM_016222.4(DDX41):c.715G>A (p.Val239Ile)

Gene: DDX41 (DEAD-box helicase 41; minus strand). Cytogenetic location: 5q35.3.
Variant type: single nucleotide variant.
Coding change: c.715G>A on transcript NM_016222.4 (MANE Select); coding-DNA position 715, G replaced by A.
Protein change: p.Val239Ile; replaces valine 239 with isoleucine.
Molecular consequence: missense variant.
Genome position (GRCh38, 1-based): chr5:177,514,999, C>T on the plus strand (G>A on the coding strand, the complement: DDX41 is on the minus strand). VCF-style: chr5-177514999-C-T. GRCh37 (hg19) VCF-style: chr5-176942000-C-T.
Other names: c.337G>A, p.Val113Ile (NM_001321732.2, NM_001321830.2); short protein forms V113I, V239I.
Identifiers: ClinVar variation 2537707 (VCV002537707.4), dbSNP rs1352012150, ClinGen allele CA362375300.